The following is an entry in ClinVar:

NM_000382.3(ALDH3A2):c.988GAA[1] (p.Glu331del)

Gene: ALDH3A2 (aldehyde dehydrogenase 3 family member A2; plus strand). Cytogenetic location: 17p11.2.
Variant type: Microsatellite.
Coding change: c.988GAA[1] on transcript NM_000382.3 (MANE Select); one copy of the 3-base unit GAA starting at c.988; the reference has two copies in a row; one copy, 3 bases deleted.
Protein change: p.Glu331del; deletes glutamic acid 331.
Molecular consequence: inframe deletion.
Genome position (GRCh38, 1-based): chr17:19,663,383-19,663,385, GAA deleted; deleting any 3 consecutive bases within chr17:19,663,378-19,663,385 gives the same sequence; the position shown is the placement nearest the transcript's 3' end. VCF-style (leftmost placement, unchanged base first): chr17-19663377-CAAG-C. GRCh37 (hg19) VCF-style: chr17-19566690-CAAG-C.
Other names: c.988GAA[1], p.Glu331del (NM_001031806.2, NM_001369136.1, NM_001369137.2 and 3 more transcripts); c.409GAA[1], p.Glu138del (NM_001369148.2); short protein forms E331del, E138del.
Identifiers: ClinVar variation 552611 (VCV000552611.5), dbSNP rs746747637, ClinGen allele CA8442983.
Genomic context (GRCh38, chr17:19,663,377, plus strand): 5'-TTTATTTTCTTTTTAGCCCCAACAGTACTTACCGATGTTGATCCTAAAACCAAGGTGATG[CAAG>C]AAGAAATTTTTGGACCAATTCTTCCAATAGTGCCTGTGAAAAATGTAGATGAGGCCATAA-3'

ClinVar aggregate classification (germline): Uncertain significance. Review status: criteria provided, single submitter (1 of 4 stars). 2 submissions from 2 submitters: Uncertain significance (1). 1 of the submissions does not count toward it. Last evaluated 2021-10-22.

Conditions:
Sjögren-Larsson syndrome (SLS). Also called: FALDH DEFICIENCY; FATTY ALCOHOL:NAD+ OXIDOREDUCTASE DEFICIENCY; FATTY ALDEHYDE DEHYDROGENASE DEFICIENCY; ICHTHYOSIS, SPASTIC NEUROLOGIC DISORDER, AND OLIGOPHRENIA. Identifiers: Orphanet 816, MedGen C0037231, MONDO:0010031, OMIM 270200.

Submissions (2):

Labcorp Genetics (formerly Invitae), Labcorp
Classification: Uncertain significance. Last evaluated: 2021-10-22. Review status: criteria provided, single submitter. Criteria: Invitae Variant Classification Sherloc (09022015). Collection method: clinical testing. Allele origin: germline.
Comment: This variant, c.991_993del, results in the deletion of 1 amino acid(s) of the ALDH3A2 protein (p.Glu331del), but otherwise preserves the integrity of the reading frame. This variant is present in population databases (rs746747637, ExAC 0.009%). This variant has been observed in individual(s) with Sjogren-Larsson syndrome (PMID: 21968182). ClinVar contains an entry for this variant (Variation ID: 552611). Experimental studies and prediction algorithms are not available or were not evaluated, and the functional significance of this variant is currently unknown. In summary, the available evidence is currently insufficient to determine the role of this variant in disease. Therefore, it has been classified as a Variant of Uncertain Significance.

Counsyl
Classification: Uncertain significance for Sjögren-Larsson syndrome. Last evaluated: 2017-06-22. Review status: no assertion criteria provided. Collection method: clinical testing. Allele origin: unknown. Not counted in ClinVar's aggregate classification.

Literature cited by the submitters: PubMed 21968182 (cited by Labcorp Genetics (formerly Invitae), Labcorp).